The following is an entry in ClinVar:

ClinVar aggregate classification (germline): Pathogenic (1 of 4 stars; one submission).

Conditions:
Hyper-IgE recurrent infection syndrome 3, autosomal recessive. Also called: Autosomal recessive hyper-IgE syndrome due to ZNF341 deficiency; HYPER-IgE SYNDROME 3, AUTOSOMAL RECESSIVE, WITH RECURRENT INFECTIONS. Identifiers: Orphanet 641368, MedGen C4748969, MONDO:0032654, OMIM 618282.

Submission:

Labcorp Genetics (formerly Invitae), Labcorp
Classification: Pathogenic for Combined immunodeficiency due to DOCK8 deficiency. Last evaluated: 2021-09-07. Review status: criteria provided, single submitter. Criteria: Invitae Variant Classification Sherloc (09022015). Collection method: clinical testing. Allele origin: germline.
Comment: For these reasons, this variant has been classified as Pathogenic. This variant has not been reported in the literature in individuals affected with DOCK8-related conditions. This variant is a gross deletion of the genomic region encompassing exon(s) 2-22 of the DOCK8 gene. This deletion is out-of-frame, and is expected to create a premature termination codon and result in an absent or disrupted protein product. Loss-of-function variants in DOCK8 are known to be pathogenic (PMID: 14722525, 19776401).

Literature cited by the submitters: PubMed 14722525; PubMed 19776401.

NC_000009.11:g.(?_271607)_(382705_?)del

Gene: DOCK8 (dedicator of cytokinesis 8; plus strand). Cytogenetic location: 9p24.3.
Variant type: Deletion.
Identifiers: ClinVar variation 1457993 (VCV001457993.8).